The following is an entry in ClinVar:

ClinVar aggregate classification (germline): Uncertain significance (1 of 4 stars; one submission).

Conditions:
Inborn genetic diseases. Identifiers: MedGen C0950123, MeSH D030342.

Submission:

Ambry Genetics
Classification: Uncertain significance for Inborn genetic diseases. Last evaluated: 2026-02-25. Review status: criteria provided, single submitter. Criteria: Ambry Variant Classification Scheme 2023. Collection method: clinical testing. Allele origin: germline.
Comment: The c.1061C>G (p.P354R) alteration is located in exon 10 (coding exon 9) of the USP18 gene. This alteration results from a C to G substitution at nucleotide position 1061, causing the proline (P) at amino acid position 354 to be replaced by an arginine (R). Based on data from gnomAD, the G allele has an overall frequency of <0.001% (1/244718) total alleles studied. The highest observed frequency was 0.001% (1/110146) of European (non-Finnish) alleles. Based on insufficient or conflicting evidence, the clinical significance of this alteration remains unclear.

NM_017414.4(USP18):c.1061C>G (p.Pro354Arg)

Gene: USP18 (ubiquitin specific peptidase 18; plus strand). Cytogenetic location: 22q11.21.
Variant type: single nucleotide variant.
Coding change: c.1061C>G on transcript NM_017414.4 (MANE Select); coding-DNA position 1061, C replaced by G.
Protein change: p.Pro354Arg; replaces proline 354 with arginine.
Molecular consequence: missense variant.
Genome position (GRCh38, 1-based): chr22:18,173,830, C>G. VCF-style: chr22-18173830-C-G. GRCh37 (hg19) VCF-style: chr22-18656597-C-G.
Other names: short protein forms P354R.
Identifiers: ClinVar variation 4840525 (VCV004840525.1).